The following is an entry in ClinVar:

NM_001374385.1(ATP8B1):c.2442G>T (p.Lys814Asn)

Genes: ATP8B1 (ATPase phospholipid transporting 8B1; minus strand), ATP8B1-AS1 (ATP8B1 antisense RNA 1; plus strand). Cytogenetic location: 18q21.31.
Variant type: single nucleotide variant.
Coding change: c.2442G>T on transcript NM_001374385.1 (MANE Select); coding-DNA position 2442, G replaced by T.
Protein change: p.Lys814Asn; replaces lysine 814 with asparagine.
Molecular consequence: missense variant.
Genome position (GRCh38, 1-based): chr18:57,661,439, C>A on the plus strand (G>T on the coding strand, the complement: ATP8B1 is on the minus strand). VCF-style: chr18-57661439-C-A. GRCh37 (hg19) VCF-style: chr18-55328671-C-A.
Other names: c.2292G>T, p.Lys764Asn (NM_001374386.1); c.2442G>T, p.Lys814Asn (NM_005603.6); short protein forms K814N, K764N.
Identifiers: ClinVar variation 195683 (VCV000195683.21), dbSNP rs34018300, ClinGen allele CA201894.

ClinVar aggregate classification (germline): Benign/Likely benign. Review status: criteria provided, multiple submitters, no conflicts (2 of 4 stars). 8 submissions from 8 submitters: Benign (5); Likely benign (3). Last evaluated 2026-07-01.

Conditions:
Familial intrahepatic cholestasis. Identifiers: Orphanet 284385, MedGen CN296401, MONDO:0017290.
Progressive familial intrahepatic cholestasis type 1. Also called: BYLER DISEASE; Severe ATP8B1 Deficiency (Progressive Familial Intrahepatic Cholestasis Type 1 [PFIC1]); Byler's disease. Identifiers: Orphanet 79306, MedGen C4551898, MONDO:0008892, OMIM 211600.

Allele frequency attached by ClinVar (database versions not stated): gnomAD exomes 0.00030 and 0.00075; ExAC 0.00087; gnomAD 0.00310 and 0.00328; ESP Exome Variant Server 0.00338; TOPMed 0.00350; 1000 Genomes Project 0.00419; 1000 Genomes Project 30x 0.00484.
gnomAD v4.1: 929 of 1,613,410 alleles (0.058%); highest among the groups gnomAD compares: African/African-American, 1%; 6 homozygotes.

Submissions (8):

CeGaT Center for Human Genetics Tuebingen
Classification: Likely benign. Last evaluated: 2026-07-01. Review status: criteria provided, single submitter. Criteria: CeGaT Center For Human Genetics Tuebingen Variant Classification Criteria Version 2. Collection method: clinical testing. Allele origin: germline. Affected: yes. Observed: 1 variant allele.
Comment: ATP8B1: BS1

Genomenon, Inc
Classification: Benign for Familial intrahepatic cholestasis. Last evaluated: 2026-04-14. Review status: criteria provided, single submitter. Criteria: Genomenon Sequence Variant Interpretation Standards - Updated. Collection method: curation. Allele origin: germline. Affected: no.
Comment: ATP8B1 p.Lys814Asn (c.2442G>T) is a missense variant that changes the amino acid at residue 814 from Lysine to Asparagine. In silico models predict that this variant is not damaging. This variant is present at high allele frequency in population databases. In conclusion, we classify ATP8B1 p.Lys814Asn (c.2442G>T) as a benign variant.

Labcorp Genetics (formerly Invitae), Labcorp
Classification: Benign. Last evaluated: 2026-01-28. Review status: criteria provided, single submitter. Criteria: Invitae Variant Classification Sherloc (09022015). Collection method: clinical testing. Allele origin: germline.

Mayo Clinic Laboratories, Mayo Clinic
Classification: Benign. Last evaluated: 2024-11-05. Review status: criteria provided, single submitter. Criteria: ACMG Guidelines, 2015. Collection method: clinical testing. Allele origin: germline. Observed: 4 variant alleles.
Comment: BA1, BP4

GeneDx
Classification: Likely benign. Last evaluated: 2017-06-20. Review status: criteria provided, single submitter. Criteria: GeneDx Variant Classification (06012015). Collection method: clinical testing. Allele origin: germline. Affected: yes.
Comment: This variant is considered likely benign or benign based on one or more of the following criteria: it is a conservative change, it occurs at a poorly conserved position in the protein, it is predicted to be benign by multiple in silico algorithms, and/or has population frequency not consistent with disease.

Illumina Laboratory Services, Illumina
Classification: Benign for Progressive familial intrahepatic cholestasis type 1. Last evaluated: 2017-04-28. Review status: criteria provided, single submitter. Criteria: ICSL Variant Classification Criteria 13 December 2019. Collection method: clinical testing. Allele origin: germline.
Comment: This variant was observed as part of a predisposition screen in an ostensibly healthy population. A literature search was performed for the gene, cDNA change, and amino acid change (where applicable). Publications were found based on this search. The evidence from the literature, in combination with allele frequency data from public databases where available, was sufficient to rule this variant out of causing disease. Therefore, this variant is classified as benign.

Eurofins Ntd Llc (ga)
Classification: Benign. Last evaluated: 2015-05-14. Review status: criteria provided, single submitter. Criteria: EGL Classification Definitions 2015. Collection method: clinical testing. Allele origin: germline. Observed: 1 variant allele, 1 heterozygote.

Breakthrough Genomics
Classification: Likely benign. Review status: criteria provided, single submitter. Criteria: ACMG Guidelines, 2015. Collection method: not provided. Allele origin: germline. Inheritance: Autosomal recessive inheritance. Affected: yes.

Literature cited by the submitters: PubMed 24260417 (cited by Mayo Clinic Laboratories, Mayo Clinic and Illumina Laboratory Services, Illumina).